The following is an entry in ClinVar:

ClinVar aggregate classification (germline): Conflicting classifications of pathogenicity. Review status: criteria provided, conflicting classifications (1 of 4 stars). 2 submissions from 1 submitter: Uncertain significance (1); Benign (1). Last evaluated 2017-06-29.

Conditions:
Meckel syndrome, type 2 (MKS2). Also called: MKS2-Related Meckel Syndrome; MECKEL-GRUBER SYNDROME, TYPE 2. Identifiers: Orphanet 564, MedGen C1864148, MONDO:0011296, OMIM 603194.
Joubert syndrome 2 (JBTS2). Also called: CEREBELLOOCULORENAL SYNDROME 2. Identifiers: Orphanet 2318, MedGen C1842577, MONDO:0011963, OMIM 608091.

Allele frequency attached by ClinVar (database versions not stated): gnomAD 0.00003 and 0.00006; gnomAD exomes 0.00011; TOPMed 0.00011; 1000 Genomes Project 30x 0.00047; 1000 Genomes Project 0.00060.
gnomAD v4.1: 39 of 434,698 alleles (0.009%); highest among the groups gnomAD compares: East Asian, 0.12%; 1 homozygote.

Submissions (2):

Illumina Laboratory Services, Illumina
Classification: Benign for Joubert syndrome 2. Last evaluated: 2017-06-29. Review status: criteria provided, single submitter. Criteria: ICSL Variant Classification Criteria 13 December 2019. Collection method: clinical testing. Allele origin: germline.
Comment: This variant was observed as part of a predisposition screen in an ostensibly healthy population. A literature search was performed for the gene, cDNA change, and amino acid change (where applicable). No publications were found based on this search. Allele frequency data from public databases was too high to be consistent with this variant causing disease. Therefore, this variant is classified as benign.

Illumina Laboratory Services, Illumina
Classification: Uncertain significance for Meckel syndrome, type 2. Last evaluated: 2017-04-27. Review status: criteria provided, single submitter. Criteria: ICSL Variant Classification Criteria 13 December 2019. Collection method: clinical testing. Allele origin: germline.

NM_001173990.3(TMEM216):c.*303C>T

Gene: TMEM216 (transmembrane protein 216; plus strand). Cytogenetic location: 11q12.2.
Variant type: single nucleotide variant.
Coding change: c.*303C>T on transcript NM_001173990.3 (MANE Select); 303 bases downstream of the stop codon, C replaced by T.
Molecular consequence: 3 prime UTR variant.
Genome position (GRCh38, 1-based): chr11:61,398,579, C>T. VCF-style: chr11-61398579-C-T. GRCh37 (hg19) VCF-style: chr11-61166051-C-T.
Other names: c.*303C>T (NM_001173991.3, NM_001330285.2, NM_016499.6).
Identifiers: ClinVar variation 877371 (VCV000877371.4), dbSNP rs144613667, ClinGen allele CA222898941.